The following is an entry in ClinVar:

NM_001352027.3(PHF21A):c.265C>T (p.Gln89Ter)

Gene: PHF21A (PHD finger protein 21A; minus strand). Cytogenetic location: 11p11.2.
Variant type: single nucleotide variant.
Coding change: c.265C>T on transcript NM_001352027.3 (MANE Select); coding-DNA position 265, C replaced by T.
Protein change: p.Gln89Ter; replaces glutamine 89 with a stop codon.
Molecular consequence: nonsense. On other transcripts: non-coding transcript variant (2).
Genome position (GRCh38, 1-based): chr11:45,979,855, G>A on the plus strand (C>T on the coding strand, the complement: PHF21A is on the minus strand). VCF-style: chr11-45979855-G-A. GRCh37 (hg19) VCF-style: chr11-46001406-G-A.
Other names: c.265C>T, p.Gln89Ter (NM_001101802.3, NM_001352025.3, NM_001352026.3 and 6 more transcripts); short protein forms Q89*.
Identifiers: ClinVar variation 3377194 (VCV003377194.1).

ClinVar aggregate classification (germline): Pathogenic (1 of 4 stars; one submission).

Conditions:
Intellectual developmental disorder with behavioral abnormalities and craniofacial dysmorphism with or without seizures. Identifiers: MedGen C5231476, MONDO:0032883, OMIM 618725.

Submission:

Victorian Clinical Genetics Services, Murdoch Childrens Research Institute
Classification: Pathogenic for Intellectual developmental disorder with behavioral abnormalities and craniofacial dysmorphism with or without seizures. Last evaluated: 2024-10-09. Review status: criteria provided, single submitter. Criteria: ACMG Guidelines, 2015. Collection method: clinical testing. Allele origin: germline. Inheritance: Autosomal dominant inheritance. Affected: yes.
Comment: Based on the classification scheme VCGS_Germline_v1.3.4, this variant is classified as Pathogenic. Following criteria are met: 0102 - Loss of function is the suggested mechanism of disease in this gene and is associated with intellectual developmental disorder with behavioral abnormalities and craniofacial dysmorphism with or without seizures (MIM#618725) which has been described to be part of the Potocki-Shaffer Syndrome (MIM#601224). Although loss of function leading to haploinsufficiency has been suggested as a disease mechanism for missense variants, there is currently limited evidence confirming this observation in the literature (PMID: 22770980; 2857172). (I) 0107 - This gene is associated with autosomal dominant disease. (I) 0201 - Variant is predicted to cause nonsense-mediated decay (NMD) and loss of protein (premature termination codon is located at least 54 nucleotides upstream of the final exon-exon junction). (SP) 0251 - This variant is heterozygous. (I) 0301 - Variant is absent from gnomAD (both v2 and v3). (SP) 0701 - Other NMD-predicted variants comparable to the one identified in this case have very strong previous evidence for pathogenicity (DECIPHER). (SP) 0807 - This variant has no previous evidence of pathogenicity. (I) 0905 - No published segregation evidence has been identified for this variant. (I) 1007 - No published functional evidence has been identified for this variant. (SP) Legend: (SP) - Supporting pathogenic, (I) - Information, (SB) - Supporting benign

Literature cited by the submitters: PubMed 2857172; PubMed 22770980.